The following is an entry in ClinVar:

ClinVar aggregate classification (germline): Uncertain significance (1 of 4 stars; one submission).

Submission:

GeneDx
Classification: Uncertain significance. Last evaluated: 2026-03-24. Review status: criteria provided, single submitter. Criteria: GeneDx Variant Classification Process June 2021. Collection method: clinical testing. Allele origin: germline.
Comment: Nonsense variant predicted to result in protein truncation or nonsense mediated decay in a gene or region of a gene for which loss of function is not a well-established mechanism of disease; Has not been previously published as pathogenic or benign to our knowledge; Not observed at significant frequency in large population cohorts (gnomAD); Variants in candidate genes are classified as variants of uncertain significance in accordance with ACMG guidelines (PMID: 25741868)

NM_002332.3(LRP1):c.11013del (p.Ala3670_Trp3671insTer)

Gene: LRP1 (LDL receptor related protein 1; plus strand). Cytogenetic location: 12q13.3.
Variant type: Deletion.
Coding change: c.11013del on transcript NM_002332.3 (MANE Select); coding-DNA position 11013, one base deleted (G; older notation c.11013delG).
Protein change: p.Ala3670_Trp3671insTer.
Molecular consequence: nonsense.
Genome position (GRCh38, 1-based): chr12:57,204,471, G deleted; the last of 2 consecutive G bases (chr12:57,204,470-57,204,471); deleting either gives the same sequence. VCF-style (leftmost placement, unchanged base first): chr12-57204469-TG-T. GRCh37 (hg19) VCF-style: chr12-57598252-TG-T.
Identifiers: ClinVar variation 5016959 (VCV005016959.1).